The following is an entry in ClinVar:

ClinVar aggregate classification (germline): Likely benign. Review status: criteria provided, multiple submitters, no conflicts (2 of 4 stars). 2 submissions from 2 submitters: Likely benign (2). Last evaluated 2024-10-24.

Allele frequency attached by ClinVar (database versions not stated): ExAC 0.00001; gnomAD exomes 0.00001; TOPMed 0.00003; gnomAD 0.00004.
gnomAD v4.1: 118 of 1,586,612 alleles (0.0074%); highest among the groups gnomAD compares: Non-Finnish European, 0.0096%; no homozygotes.

Submissions (2):

Labcorp Genetics (formerly Invitae), Labcorp
Classification: Likely benign. Last evaluated: 2024-10-24. Review status: criteria provided, single submitter. Criteria: Invitae Variant Classification Sherloc (09022015). Collection method: clinical testing. Allele origin: germline.

CeGaT Center for Human Genetics Tuebingen
Classification: Likely benign. Last evaluated: 2022-11-01. Review status: criteria provided, single submitter. Criteria: CeGaT Center For Human Genetics Tuebingen Variant Classification Criteria Version 2. Collection method: clinical testing. Allele origin: germline. Affected: yes. Observed: 1 variant allele.
Comment: HACD1: PM2:Supporting, BP4, BP7

NM_014241.4(HACD1):c.657T>G (p.Leu219=)

Gene: HACD1 (3-hydroxyacyl-CoA dehydratase 1; minus strand). Cytogenetic location: 10p12.33.
Variant type: single nucleotide variant.
Coding change: c.657T>G on transcript NM_014241.4 (MANE Select); coding-DNA position 657, T replaced by G.
Protein change: p.Leu219=; no amino-acid change (leucine 219 retained).
Molecular consequence: synonymous variant.
Genome position (GRCh38, 1-based): chr10:17,594,332, A>C on the plus strand (T>G on the coding strand, the complement: HACD1 is on the minus strand). VCF-style: chr10-17594332-A-C. GRCh37 (hg19) VCF-style: chr10-17636331-A-C.
Identifiers: ClinVar variation 1591322 (VCV001591322.36), dbSNP rs782674031, ClinGen allele CA5427236.